The following is an entry in ClinVar:

ClinVar aggregate classification (germline): Uncertain significance (1 of 4 stars; one submission).

Conditions:
Hereditary cancer-predisposing syndrome. Also called: Hereditary neoplastic syndrome; Neoplastic Syndromes, Hereditary; Tumor predisposition; Hereditary Cancer Syndrome. Identifiers: Orphanet 140162, MedGen C0027672, MeSH D009386, MONDO:0015356.

gnomAD v4.1: 1 of 1,591,852 alleles (0.000063%); no homozygotes.

Submission:

Ambry Genetics
Classification: Uncertain significance for Hereditary cancer-predisposing syndrome. Last evaluated: 2025-03-12. Review status: criteria provided, single submitter. Criteria: Ambry Variant Classification Scheme 2023. Collection method: clinical testing. Allele origin: germline.
Comment: The p.T1673A variant (also known as c.5017A>G), located in coding exon 10 of the BRCA2 gene, results from an A to G substitution at nucleotide position 5017. The threonine at codon 1673 is replaced by alanine, an amino acid with similar properties. This amino acid position is conserved. In addition, the in silico prediction for this alteration is inconclusive. Based on the available evidence, the clinical significance of this variant remains unclear.

NM_000059.4(BRCA2):c.5017A>G (p.Thr1673Ala)

Gene: BRCA2 (BRCA2 DNA repair associated; plus strand). Cytogenetic location: 13q13.1.
Variant type: single nucleotide variant.
Coding change: c.5017A>G on transcript NM_000059.4 (MANE Select); coding-DNA position 5017, A replaced by G.
Protein change: p.Thr1673Ala; replaces threonine 1673 with alanine.
Molecular consequence: missense variant. On other transcripts: non-coding transcript variant (1), intron variant (2).
Genome position (GRCh38, 1-based): chr13:32,339,372, A>G. VCF-style: chr13-32339372-A-G. GRCh37 (hg19) VCF-style: chr13-32913509-A-G.
Other names: c.5017A>G, p.Thr1673Ala (NM_001406719.1, NM_001406720.1, NM_001432077.1); c.1910-5186A>G (NM_001406721.1); c.425-5186A>G (NM_001406722.1); short protein forms T1673A.
Identifiers: ClinVar variation 3825369 (VCV003825369.1).